The following is an entry in ClinVar:

ClinVar aggregate classification (germline): Uncertain significance (1 of 4 stars; one submission).

gnomAD v4.1: 7 of 1,613,860 alleles (0.00043%); highest among the groups gnomAD compares: African/African-American, 0.0067%; no homozygotes.

Submission:

Labcorp Genetics (formerly Invitae), Labcorp
Classification: Uncertain significance. Last evaluated: 2024-11-09. Review status: criteria provided, single submitter. Criteria: Invitae Variant Classification Sherloc (09022015). Collection method: clinical testing. Allele origin: germline.
Comment: This sequence change replaces arginine, which is basic and polar, with cysteine, which is neutral and slightly polar, at codon 424 of the MMP9 protein (p.Arg424Cys). This variant is present in population databases (rs371768001, gnomAD 0.01%). This variant has not been reported in the literature in individuals affected with MMP9-related conditions. Invitae Evidence Modeling of protein sequence and biophysical properties (such as structural, functional, and spatial information, amino acid conservation, physicochemical variation, residue mobility, and thermodynamic stability) indicates that this missense variant is not expected to disrupt MMP9 protein function with a negative predictive value of 80%. In summary, the available evidence is currently insufficient to determine the role of this variant in disease. Therefore, it has been classified as a Variant of Uncertain Significance.

NM_004994.3(MMP9):c.1270C>T (p.Arg424Cys)

Gene: MMP9 (matrix metallopeptidase 9; plus strand). Cytogenetic location: 20q13.12.
Variant type: single nucleotide variant.
Coding change: c.1270C>T on transcript NM_004994.3 (MANE Select); coding-DNA position 1270, C replaced by T.
Protein change: p.Arg424Cys; replaces arginine 424 with cysteine.
Molecular consequence: missense variant.
Genome position (GRCh38, 1-based): chr20:46,012,522, C>T. VCF-style: chr20-46012522-C-T. GRCh37 (hg19) VCF-style: chr20-44641161-C-T.
Other names: short protein forms R424C.
Identifiers: ClinVar variation 3622863 (VCV003622863.2).